The following is an entry in ClinVar:

NM_001127511.3(APC):c.-152C>A

Gene: APC (APC regulator of Wnt signaling pathway; plus strand). Cytogenetic location: 5q22.2.
Variant type: single nucleotide variant.
Coding change: c.-152C>A on transcript NM_001127511.3; 152 bases upstream of the start codon, C replaced by A.
Molecular consequence: 5 prime UTR variant. On other transcripts: non-coding transcript variant (2).
Genome position (GRCh38, 1-based): chr5:112,707,566, C>A. VCF-style: chr5-112707566-C-A. GRCh37 (hg19) VCF-style: chr5-112043263-C-A.
Other names: c.-102C>A (NM_001407457.1, NM_001407458.1, NM_001407448.1 and 1 more transcripts); c.-335C>A (NM_001407460.1, NM_001407469.1, NM_001354895.2 and 3 more transcripts); c.-1370C>A (NM_001407470.1, NM_001407472.1); c.-152C>A (NM_001354897.2, NM_001354902.2, NM_001407446.1); c.-126C>A (NM_001407453.1).
Identifiers: ClinVar variation 1903864 (VCV001903864.4), dbSNP rs138386816, ClinGen allele CA2580072281.
Genomic context (GRCh38, chr5:112,707,566, plus strand): 5'-GTCTTCCCACCTCCCACAAGATGGCGGAGGGCAAGTAGCAAGGGGGCGGGGTGTGGCCGC[C>A]GGAAGCCTAGCCGCTGCTCGGGGGGGACCTGCGGGCTCAGGCCCGGGAGCTGCGGACCGA-3'

ClinVar aggregate classification (germline): Uncertain significance (1 of 4 stars; one submission).

Conditions:
Familial adenomatous polyposis 1 (FAP1). Also called: FAMILIAL ADENOMATOUS POLYPOSIS 1, ATTENUATED; POLYPOSIS, ADENOMATOUS INTESTINAL. Identifiers: MedGen C2713442, MONDO:0021056, OMIM 175100. Disease mechanism: loss of function.

Submission:

Labcorp Genetics (formerly Invitae), Labcorp
Classification: Uncertain significance for Familial adenomatous polyposis 1. Last evaluated: 2022-02-01. Review status: criteria provided, single submitter. Criteria: Invitae Variant Classification Sherloc (09022015). Collection method: clinical testing. Allele origin: germline.
Comment: This variant occurs in a non-coding region of the APC gene. It does not change the encoded amino acid sequence of the APC protein. This variant is not present in population databases (gnomAD no frequency). This variant has not been reported in the literature in individuals affected with APC-related conditions. RNA analysis performed to evaluate the impact of this variant on mRNA splicing indicates it does not significantly alter splicing (Invitae). In summary, the available evidence is currently insufficient to determine the role of this variant in disease. Therefore, it has been classified as a Variant of Uncertain Significance.